The following is an entry in ClinVar:

NM_003384.3(VRK1):c.1144dup (p.Glu382fs)

Gene: VRK1 (VRK serine/threonine kinase 1; plus strand). Cytogenetic location: 14q32.2.
Variant type: Duplication.
Coding change: c.1144dup on transcript NM_003384.3 (MANE Select); coding-DNA position 1144, one base duplicated (G; older notation c.1144dupG).
Protein change: p.Glu382fs; shifts the reading frame from glutamic acid 382.
Molecular consequence: frameshift variant.
Genome position (GRCh38, 1-based): chr14:96,876,105, G duplicated; the last of 2 consecutive G bases (chr14:96,876,104-96,876,105); duplicating either gives the same sequence. VCF-style (leftmost placement, unchanged base first): chr14-96876103-A-AG. GRCh37 (hg19) VCF-style: chr14-97342440-A-AG.
Other names: c.1144dup, p.Glu382Glyfs (NM_001411051.1); c.1141dup, p.Glu381Glyfs (NM_001411053.1); short protein forms E382fs.
Identifiers: ClinVar variation 1970380 (VCV001970380.6), dbSNP rs2504252308, ClinGen allele CA2580089056.
Genomic context (GRCh38, chr14:96,876,103, plus strand): 5'-AAATTGAAGAAAGCAAGGAACCTGGTGTTGAAGATACGGAATGGTCAAACACACAGACAG[A>AG]GGAGGCCATACAGACCCGTAAGTTGAACAGTTTTGCCTAGCTGCTTTCATAGGTAAACAC-3'

ClinVar aggregate classification (germline): Pathogenic/Likely pathogenic. Review status: criteria provided, multiple submitters, no conflicts (2 of 4 stars). 2 submissions from 2 submitters: Pathogenic (1); Likely pathogenic (1). Last evaluated 2024-09-24.

Conditions:
Pontocerebellar hypoplasia type 1A (PCH1A). Also called: PONTOCEREBELLAR HYPOPLASIA WITH ANTERIOR HORN CELL DISEASE; PONTOCEREBELLAR HYPOPLASIA WITH INFANTILE SPINAL MUSCULAR ATROPHY. Identifiers: Orphanet 2254, Orphanet 88616, MedGen C1843504, MONDO:0011866, OMIM 607596.
Neuronopathy, distal hereditary motor, autosomal recessive 10 (HMNR10). Also called: NEUROPATHY, DISTAL HEREDITARY MOTOR, AUTOSOMAL RECESSIVE 10; VRK1-RELATED MOTOR NEURON DISEASE. Identifiers: MedGen C5882703, MONDO:0957876, OMIM 620542.

Submissions (2):

Labcorp Genetics (formerly Invitae), Labcorp
Classification: Pathogenic for Pontocerebellar hypoplasia type 1A. Last evaluated: 2024-09-24. Review status: criteria provided, single submitter. Criteria: Invitae Variant Classification Sherloc (09022015). Collection method: clinical testing. Allele origin: germline.
Comment: This sequence change results in a frameshift in the VRK1 gene (p.Glu382Glyfs*21). While this is not anticipated to result in nonsense mediated decay, it is expected to disrupt the last 15 amino acid(s) of the VRK1 protein and extend the protein by 5 additional amino acid residues. This variant is not present in population databases (gnomAD no frequency). This variant has not been reported in the literature in individuals affected with VRK1-related conditions. ClinVar contains an entry for this variant (Variation ID: 1970380). This variant disrupts a region of the VRK1 protein in which other variant(s) (p.Arg387His) have been determined to be pathogenic (PMID: 31837156; internal data). This suggests that this is a clinically significant region of the protein, and that variants that disrupt it are likely to be disease-causing. For these reasons, this variant has been classified as Pathogenic.

Fulgent Genetics
Classification: Likely pathogenic for Pontocerebellar hypoplasia type 1A; Neuronopathy, distal hereditary motor, autosomal recessive 10. Last evaluated: 2024-06-18. Review status: criteria provided, single submitter. Criteria: ACMG Guidelines, 2015. Collection method: clinical testing. Allele origin: germline.

Literature cited by the submitters: PubMed 31837156 (cited by Labcorp Genetics (formerly Invitae), Labcorp).